The following is an entry in ClinVar:

ClinVar aggregate classification (germline): Uncertain significance (1 of 4 stars; one submission).

Conditions:
Hereditary cancer-predisposing syndrome. Also called: Hereditary neoplastic syndrome; Tumor predisposition; Hereditary Cancer Syndrome; Neoplastic Syndromes, Hereditary. Identifiers: Orphanet 140162, MedGen C0027672, MeSH D009386, MONDO:0015356.

Submission:

Ambry Genetics
Classification: Uncertain significance for Hereditary cancer-predisposing syndrome. Last evaluated: 2023-09-01. Review status: criteria provided, single submitter. Criteria: Ambry Variant Classification Scheme 2023. Collection method: clinical testing. Allele origin: germline.
Comment: The p.S403C variant (also known as c.1207A>T), located in coding exon 4 of the BARD1 gene, results from an A to T substitution at nucleotide position 1207. The serine at codon 403 is replaced by cysteine, an amino acid with dissimilar properties. This amino acid position is conserved. In addition, this alteration is predicted to be tolerated by in silico analysis. Since supporting evidence is limited at this time, the clinical significance of this alteration remains unclear.

NM_000465.4(BARD1):c.1207A>T (p.Ser403Cys)

Gene: BARD1 (BRCA1 associated RING domain 1; minus strand). Cytogenetic location: 2q35.
Variant type: single nucleotide variant.
Coding change: c.1207A>T on transcript NM_000465.4 (MANE Select); coding-DNA position 1207, A replaced by T.
Protein change: p.Ser403Cys; replaces serine 403 with cysteine.
Molecular consequence: missense variant. On other transcripts: non-coding transcript variant (2), intron variant (3).
Genome position (GRCh38, 1-based): chr2:214,780,667, T>A on the plus strand (A>T on the coding strand, the complement: BARD1 is on the minus strand). VCF-style: chr2-214780667-T-A. GRCh37 (hg19) VCF-style: chr2-215645391-T-A.
Other names: c.1150A>T, p.Ser384Cys (NM_001282543.2); c.159-28112A>T (NM_001282548.2); c.215+16394A>T (NM_001282545.2); c.364+11630A>T (NM_001282549.2); short protein forms S403C, S384C.
Identifiers: ClinVar variation 2585713 (VCV002585713.2), dbSNP rs1060501286, ClinGen allele CA350453731.